The following is an entry in ClinVar:

NM_001042432.2(CLN3):c.962+3A>T

Gene: CLN3 (CLN3 lysosomal/endosomal transmembrane protein, battenin; minus strand). Cytogenetic location: 16p12.1.
Variant type: single nucleotide variant.
Coding change: c.962+3A>T on transcript NM_001042432.2 (MANE Select); 3 bases into the intron after coding-DNA position 962, A replaced by T.
Molecular consequence: intron variant.
Genome position (GRCh38, 1-based): chr16:28,482,324, T>A on the plus strand (A>T on the coding strand, the complement: CLN3 is on the minus strand). VCF-style: chr16-28482324-T-A. GRCh37 (hg19) VCF-style: chr16-28493645-T-A.
Other names: c.728+3A>T (NM_001286109.2); c.890+3A>T (NM_001286104.2); c.662+3A>T (NM_001286105.2); c.800+3A>T (NM_001286110.2); c.962+3A>T (NM_000086.2).
Identifiers: ClinVar variation 205093 (VCV000205093.12), dbSNP rs796052336, ClinGen allele CA313716.

ClinVar aggregate classification (germline): Conflicting classifications of pathogenicity. Review status: criteria provided, conflicting classifications (1 of 4 stars). 4 submissions from 4 submitters: Pathogenic (1); Likely pathogenic (1); Uncertain significance (2). Last evaluated 2025-10-22.

Conditions:
Neuronal ceroid lipofuscinosis. Also called: Neuronal Ceroid Lipofuscinoses. Identifiers: Orphanet 216, Orphanet 79263, MedGen C0027877, MONDO:0016295. Disease mechanism: loss of function.
Neuronal ceroid lipofuscinosis 3 (CLN3). Identifiers: Orphanet 228346, MedGen C0751383, MONDO:0008767, OMIM 204200.

Allele frequency attached by ClinVar (database versions not stated): gnomAD 0.00001; gnomAD exomes 0.00001.
gnomAD v4.1: 11 of 1,613,400 alleles (0.00068%); highest among the groups gnomAD compares: Middle Eastern, 0.016%; no homozygotes.

Submissions (4):

Labcorp Genetics (formerly Invitae), Labcorp
Classification: Pathogenic for Neuronal ceroid lipofuscinosis. Last evaluated: 2025-10-22. Review status: criteria provided, single submitter. Criteria: Invitae Variant Classification Sherloc (09022015). Collection method: clinical testing. Allele origin: germline.
Comment: This sequence change falls in intron 13 of the CLN3 gene. It does not directly change the encoded amino acid sequence of the CLN3 protein. It affects a nucleotide within the consensus splice site. This variant is present in population databases (rs796052336, gnomAD 0.009%). This variant has been observed in individual(s) with clinical features of CLN3-related conditions (internal data). In at least one individual the data is consistent with being in trans (on the opposite chromosome) from a pathogenic variant. ClinVar contains an entry for this variant (Variation ID: 205093). Variants that disrupt the consensus splice site are a relatively common cause of aberrant splicing (PMID: 17576681, 9536098). Algorithms developed to predict the effect of sequence changes on RNA splicing suggest that this variant may disrupt the consensus splice site. For these reasons, this variant has been classified as Pathogenic.

Blueprint Genetics
Classification: Uncertain significance. Last evaluated: 2024-10-15. Review status: criteria provided, single submitter. Criteria: ACMG Guidelines, 2015. Collection method: clinical testing. Allele origin: germline.

Genome-Nilou Lab
Classification: Uncertain significance for Neuronal ceroid lipofuscinosis 3. Last evaluated: 2021-08-10. Review status: criteria provided, single submitter. Criteria: ACMG Guidelines, 2015. Collection method: clinical testing. Allele origin: germline. Affected: no.

GeneDx
Classification: Likely pathogenic. Last evaluated: 2013-11-19. Review status: criteria provided, single submitter. Criteria: GeneDx Variant Classification (06012015). Collection method: clinical testing. Allele origin: germline. Affected: yes.
Comment: c.962+3 A>T: IVS13+3 A>T in intron 13 of the CLN3 gene (NM_001042432.1). The c.962+3 A>T variant in the CLN3 gene has not been published as a mutation, nor has it been reported as a benign polymorphism to our knowledge. In silico analysis predicts this variant may damage or destroy the natural splice donor site in intron 13 leading to abnormal splicing. Therefore, based on the currently available information, c.962+3 A>T is a strong candidate for a disease-causing mutation, although the possibility that it is a benign variant cannot be excluded. The variant is found in CHILD-EPI panel(s).

Literature cited by the submitters: PubMed 17576681 (cited by Labcorp Genetics (formerly Invitae), Labcorp); PubMed 9536098 (cited by Labcorp Genetics (formerly Invitae), Labcorp).